The following is an entry in ClinVar:

NM_018124.4(RFWD3):c.1379G>C (p.Ser460Thr)

Gene: RFWD3 (ring finger and WD repeat domain 3; minus strand). Cytogenetic location: 16q23.1.
Variant type: single nucleotide variant.
Coding change: c.1379G>C on transcript NM_018124.4 (MANE Select); coding-DNA position 1379, G replaced by C.
Protein change: p.Ser460Thr; replaces serine 460 with threonine.
Molecular consequence: missense variant.
Genome position (GRCh38, 1-based): chr16:74,636,393, C>G on the plus strand (G>C on the coding strand, the complement: RFWD3 is on the minus strand). VCF-style: chr16-74636393-C-G. GRCh37 (hg19) VCF-style: chr16-74670291-C-G.
Other names: c.1379G>C, p.Ser460Thr (NM_001370536.1, NM_001370534.1, NM_001370535.1); c.545G>C, p.Ser182Thr (NM_001370537.1, NM_001370539.1, NM_001370540.1 and 2 more transcripts); short protein forms S460T, S182T.
Identifiers: ClinVar variation 3685434 (VCV003685434.2).

ClinVar aggregate classification (germline): Uncertain significance (1 of 4 stars; one submission).

gnomAD v4.1: 3 of 1,614,192 alleles (0.00019%); highest among the groups gnomAD compares: Non-Finnish European, 0.00025%; no homozygotes.

Submission:

Labcorp Genetics (formerly Invitae), Labcorp
Classification: Uncertain significance. Last evaluated: 2024-03-09. Review status: criteria provided, single submitter. Criteria: Invitae Variant Classification Sherloc (09022015). Collection method: clinical testing. Allele origin: germline.
Comment: This sequence change replaces serine, which is neutral and polar, with threonine, which is neutral and polar, at codon 460 of the RFWD3 protein (p.Ser460Thr). This variant is present in population databases (rs545140006, gnomAD 0.0009%). This variant has not been reported in the literature in individuals affected with RFWD3-related conditions. An algorithm developed to predict the effect of missense changes on protein structure and function (PolyPhen-2) suggests that this variant is likely to be tolerated. In summary, the available evidence is currently insufficient to determine the role of this variant in disease. Therefore, it has been classified as a Variant of Uncertain Significance.